The following is an entry in ClinVar:

NM_000059.4(BRCA2):c.8842A>G (p.Ile2948Val)

Gene: BRCA2 (BRCA2 DNA repair associated; plus strand). Cytogenetic location: 13q13.1.
Variant type: single nucleotide variant.
Coding change: c.8842A>G on transcript NM_000059.4 (MANE Select); coding-DNA position 8842, A replaced by G.
Protein change: p.Ile2948Val; replaces isoleucine 2948 with valine.
Molecular consequence: missense variant. On other transcripts: non-coding transcript variant (1).
Genome position (GRCh38, 1-based): chr13:32,379,404, A>G. VCF-style: chr13-32379404-A-G. GRCh37 (hg19) VCF-style: chr13-32953541-A-G.
Other names: c.8746A>G, p.Ile2916Val (NM_001406719.1); c.8842A>G, p.Ile2948Val (NM_001406720.1, NM_001432077.1); c.3910A>G, p.Ile1304Val (NM_001406721.1); c.2425A>G, p.Ile809Val (NM_001406722.1); short protein forms I2916V, I1304V, I2948V, I809V.
Identifiers: ClinVar variation 3636547 (VCV003636547.2).

ClinVar aggregate classification (germline): Uncertain significance (1 of 4 stars; one submission).

Conditions:
Hereditary breast ovarian cancer syndrome. Also called: Hereditary breast and ovarian cancer syndrome; Hereditary breast and ovarian cancer syndrome (HBOC); BRCA1- and BRCA2-Associated Hereditary Breast and Ovarian Cancer; Hereditary breast and ovarian cancer; Breast and ovarian cancer; Hereditary breast and/or ovarian cancer syndrome. Identifiers: Orphanet 145, MedGen C0677776, MeSH D061325, MONDO:0003582. Disease mechanism: loss of function.

gnomAD v4.1: 1 of 1,613,792 alleles (0.000062%); highest among the groups gnomAD compares: Non-Finnish European, 0.000085%; no homozygotes.

Submission:

Labcorp Genetics (formerly Invitae), Labcorp
Classification: Uncertain significance for Hereditary breast ovarian cancer syndrome. Last evaluated: 2024-09-10. Review status: criteria provided, single submitter. Criteria: Invitae Variant Classification Sherloc (09022015). Collection method: clinical testing. Allele origin: germline.
Comment: This sequence change replaces isoleucine, which is neutral and non-polar, with valine, which is neutral and non-polar, at codon 2948 of the BRCA2 protein (p.Ile2948Val). This variant is not present in population databases (gnomAD no frequency). This variant has not been reported in the literature in individuals affected with BRCA2-related conditions. Invitae Evidence Modeling of protein sequence and biophysical properties (such as structural, functional, and spatial information, amino acid conservation, physicochemical variation, residue mobility, and thermodynamic stability) indicates that this missense variant is not expected to disrupt BRCA2 protein function with a negative predictive value of 95%. In summary, the available evidence is currently insufficient to determine the role of this variant in disease. Therefore, it has been classified as a Variant of Uncertain Significance.